The following is an entry in ClinVar:

NM_006268.5(DPF2):c.931C>G (p.Pro311Ala)

Gene: DPF2 (double PHD fingers 2; plus strand). Cytogenetic location: 11q13.1.
Variant type: single nucleotide variant.
Coding change: c.931C>G on transcript NM_006268.5 (MANE Select); coding-DNA position 931, C replaced by G.
Protein change: p.Pro311Ala; replaces proline 311 with alanine.
Molecular consequence: missense variant.
Genome position (GRCh38, 1-based): chr11:65,346,273, C>G. VCF-style: chr11-65346273-C-G. GRCh37 (hg19) VCF-style: chr11-65113744-C-G.
Other names: c.973C>G, p.Pro325Ala (NM_001330308.2); short protein forms P311A, P325A.
Identifiers: ClinVar variation 3721543 (VCV003721543.2).

ClinVar aggregate classification (germline): Uncertain significance (1 of 4 stars; one submission).

Submission:

Labcorp Genetics (formerly Invitae), Labcorp
Classification: Uncertain significance. Last evaluated: 2024-09-26. Review status: criteria provided, single submitter. Criteria: Invitae Variant Classification Sherloc (09022015). Collection method: clinical testing. Allele origin: germline.
Comment: This sequence change replaces proline, which is neutral and non-polar, with alanine, which is neutral and non-polar, at codon 311 of the DPF2 protein (p.Pro311Ala). This variant is not present in population databases (gnomAD no frequency). This variant has not been reported in the literature in individuals affected with DPF2-related conditions. An algorithm developed to predict the effect of missense changes on protein structure and function (PolyPhen-2) suggests that this variant is likely to be tolerated. In summary, the available evidence is currently insufficient to determine the role of this variant in disease. Therefore, it has been classified as a Variant of Uncertain Significance.